The following is an entry in ClinVar:

NM_020964.3(EPG5):c.2351A>C (p.Gln784Pro)

Gene: EPG5 (ectopic P-granules 5 autophagy tethering factor; minus strand). Cytogenetic location: 18q21.1.
Variant type: single nucleotide variant.
Coding change: c.2351A>C on transcript NM_020964.3 (MANE Select); coding-DNA position 2351, A replaced by C.
Protein change: p.Gln784Pro; replaces glutamine 784 with proline.
Molecular consequence: missense variant.
Genome position (GRCh38, 1-based): chr18:45,930,737, T>G on the plus strand (A>C on the coding strand, the complement: EPG5 is on the minus strand). VCF-style: chr18-45930737-T-G. GRCh37 (hg19) VCF-style: chr18-43510703-T-G.
Other names: c.2351A>C, p.Gln784Pro (LRG_1234t1); short protein forms Q784P.
Identifiers: ClinVar variation 626244 (VCV000626244.2), dbSNP rs754795342, ClinGen allele CA8949452.

ClinVar aggregate classification (germline): Uncertain significance (1 of 4 stars; one submission).

Conditions:
Vici syndrome (VICIS). Identifiers: Orphanet 1493, MedGen C1855772, MONDO:0009452, OMIM 242840.

Allele frequency attached by ClinVar (database versions not stated): gnomAD 0.00001; gnomAD exomes 0.00001; TOPMed 0.00001; ExAC 0.00002.
gnomAD v4.1: 21 of 1,611,222 alleles (0.0013%); highest among the groups gnomAD compares: South Asian, 0.0066%; no homozygotes.

Submission:

SIB Swiss Institute of Bioinformatics
Classification: Uncertain significance for Vici syndrome. Last evaluated: 2019-01-17. Review status: criteria provided, single submitter. Criteria: ACMG Guidelines, 2015. Collection method: curation. Allele origin: unknown.
Comment: This variant is interpreted as a Uncertain significance for Vici syndrome, autosomal recessive. The following ACMG Tag(s) were applied: PM2 => Absent from controls (or at extremely low frequency if recessive) in Exome Sequencing Project, 1000 Genomes Project, or Exome Aggregation Consortium.

ClinGen:CA8949452

Literature cited by the submitters: PubMed 23222957.